The following is an entry in ClinVar:

NM_174934.4(SCN4B):c.538A>C (p.Ile180Leu)

Gene: SCN4B (sodium voltage-gated channel beta subunit 4; minus strand). Cytogenetic location: 11q23.3.
Variant type: single nucleotide variant.
Coding change: c.538A>C on transcript NM_174934.4 (MANE Select); coding-DNA position 538, A replaced by C.
Protein change: p.Ile180Leu; replaces isoleucine 180 with leucine.
Molecular consequence: missense variant. On other transcripts: non-coding transcript variant (1).
Genome position (GRCh38, 1-based): chr11:118,141,262, T>G on the plus strand (A>C on the coding strand, the complement: SCN4B is on the minus strand). VCF-style: chr11-118141262-T-G. GRCh37 (hg19) VCF-style: chr11-118011977-T-G.
Other names: c.136A>C, p.Ile46Leu (NM_001142348.2); c.208A>C, p.Ile70Leu (NM_001142349.2); short protein forms I46L, I180L, I70L.
Identifiers: ClinVar variation 1747205 (VCV001747205.2), dbSNP rs894417224, ClinGen allele CA229487233.

ClinVar aggregate classification (germline): Uncertain significance (1 of 4 stars; one submission).

Conditions:
Cardiovascular phenotype. Identifiers: MedGen CN230736.

Allele frequency attached by ClinVar (database versions not stated): gnomAD exomes 0.00001.
gnomAD v4.1: 11 of 1,612,740 alleles (0.00068%); highest among the groups gnomAD compares: Non-Finnish European, 0.00085%; no homozygotes.

Submission:

Ambry Genetics
Classification: Uncertain significance for Cardiovascular phenotype. Last evaluated: 2021-10-11. Review status: criteria provided, single submitter. Criteria: Ambry Variant Classification Scheme 2023. Collection method: clinical testing. Allele origin: germline.
Comment: The p.I180L variant (also known as c.538A>C), located in coding exon 4 of the SCN4B gene, results from an A to C substitution at nucleotide position 538. The isoleucine at codon 180 is replaced by leucine, an amino acid with highly similar properties. This amino acid position is conserved. In addition, the in silico prediction for this alteration is inconclusive. Since supporting evidence is limited at this time, the clinical significance of this alteration remains unclear.